The following is an entry in ClinVar:

NM_201525.4(ADGRG1):c.*918C>T

Gene: ADGRG1 (adhesion G protein-coupled receptor G1; plus strand). Cytogenetic location: 16q21.
Variant type: single nucleotide variant.
Coding change: c.*918C>T on transcript NM_201525.4 (MANE Select); 918 bases downstream of the stop codon, C replaced by T.
Molecular consequence: 3 prime UTR variant.
Genome position (GRCh38, 1-based): chr16:57,664,500, C>T. VCF-style: chr16-57664500-C-T. GRCh37 (hg19) VCF-style: chr16-57698412-C-T.
Other names: c.*918C>T (NM_001145770.3, NM_001145771.3, NM_001145772.3 and 25 more transcripts).
Identifiers: ClinVar variation 888182 (VCV000888182.4), dbSNP rs139681411, ClinGen allele CA281584526.

ClinVar aggregate classification (germline): Benign (1 of 4 stars; one submission).

Conditions:
Bilateral frontoparietal polymicrogyria. Also called: CEREBELLAR ATAXIA WITH NEURONAL MIGRATION DEFECT; CORTICAL DYSPLASIA, COMPLEX, WITH OTHER BRAIN MALFORMATIONS 14A (BILATERAL FRONTOPARIETAL). Identifiers: Orphanet 101070, MedGen C1847352, MONDO:0011738, OMIM 606854.

Allele frequency attached by ClinVar (database versions not stated): gnomAD 0.00066 and 0.00093; TOPMed 0.00088; 1000 Genomes Project 30x 0.00515; 1000 Genomes Project 0.00559.

Submission:

Illumina Laboratory Services, Illumina
Classification: Benign for Bilateral frontoparietal polymicrogyria. Last evaluated: 2018-01-12. Review status: criteria provided, single submitter. Criteria: ICSL Variant Classification Criteria 13 December 2019. Collection method: clinical testing. Allele origin: germline.
Comment: This variant was observed in the ICSL laboratory as part of a predisposition screen in an ostensibly healthy population. It had not been previously curated by ICSL or reported in the Human Gene Mutation Database (HGMD: prior to June 1st, 2018), and was therefore a candidate for classification through an automated scoring system. Utilizing variant allele frequency, disease prevalence and penetrance estimates, and inheritance mode, an automated score was calculated to assess if this variant is too frequent to cause the disease. Based on the score and internal cut-off values, a variant classified as benign is not then subjected to further curation. The score for this variant resulted in a classification of benign for this disease.